The following is an entry in ClinVar:

NM_002047.4(GARS1):c.1154A>G (p.Gln385Arg)

Gene: GARS1 (glycyl-tRNA synthetase 1; plus strand). Cytogenetic location: 7p14.3.
Variant type: single nucleotide variant.
Coding change: c.1154A>G on transcript NM_002047.4 (MANE Select); coding-DNA position 1154, A replaced by G.
Protein change: p.Gln385Arg; replaces glutamine 385 with arginine.
Molecular consequence: missense variant.
Genome position (GRCh38, 1-based): chr7:30,616,018, A>G. VCF-style: chr7-30616018-A-G. GRCh37 (hg19) VCF-style: chr7-30655634-A-G.
Other names: c.992A>G, p.Gln331Arg (NM_001316772.1); c.1154A>G (NM_002047.2); short protein forms Q331R, Q385R.
Identifiers: ClinVar variation 1680927 (VCV001680927.9), dbSNP rs2128134481, ClinGen allele CA367126408.
Genomic context (GRCh38, chr7:30,616,018, plus strand): 5'-TCCAGAATGTGGCAGACCTTCACCTTTATTTGTATTCAGCAAAAGCCCAGGTCAGCGGAC[A>G]GTCCGCTCGGAAAATGCGCCTGGGAGATGCTGTTGAACAGGTAGGATTCTGGAGGTAACT-3'
Protein context (NP_002038.2, residues 375-395): LYSAKAQVSG[Gln385Arg]SARKMRLGDA

ClinVar aggregate classification (germline): Uncertain significance. Review status: criteria provided, multiple submitters, no conflicts (2 of 4 stars). 2 submissions from 2 submitters: Uncertain significance (2). Last evaluated 2025-04-02.

Conditions:
Charcot-Marie-Tooth disease type 2. Also called: Charcot-Marie-Tooth type 2. Identifiers: Orphanet 64746, MedGen C0270914, MONDO:0018993.

Submissions (2):

Labcorp Genetics (formerly Invitae), Labcorp
Classification: Uncertain significance for Charcot-Marie-Tooth disease type 2. Last evaluated: 2025-04-02. Review status: criteria provided, single submitter. Criteria: Invitae Variant Classification Sherloc (09022015). Collection method: clinical testing. Allele origin: germline.
Comment: This sequence change replaces glutamine, which is neutral and polar, with arginine, which is basic and polar, at codon 385 of the GARS protein (p.Gln385Arg). This variant is not present in population databases (gnomAD no frequency). This variant has not been reported in the literature in individuals affected with GARS-related conditions. ClinVar contains an entry for this variant (Variation ID: 1680927). Invitae Evidence Modeling of protein sequence and biophysical properties (such as structural, functional, and spatial information, amino acid conservation, physicochemical variation, residue mobility, and thermodynamic stability) indicates that this missense variant is not expected to disrupt GARS protein function with a negative predictive value of 95%. In summary, the available evidence is currently insufficient to determine the role of this variant in disease. Therefore, it has been classified as a Variant of Uncertain Significance.

Ambry Genetics
Classification: Uncertain significance. Last evaluated: 2021-08-09. Review status: criteria provided, single submitter. Criteria: Ambry Variant Classification Scheme 2023. Collection method: clinical testing. Allele origin: germline.